The following is an entry in ClinVar:

ClinVar aggregate classification (germline): Uncertain significance. Review status: criteria provided, multiple submitters, no conflicts (2 of 4 stars). 3 submissions from 3 submitters: Uncertain significance (3). Last evaluated 2026-02-24.

Conditions:
Hereditary cancer-predisposing syndrome. Also called: Tumor predisposition; Hereditary neoplastic syndrome; Hereditary Cancer Syndrome; Neoplastic Syndromes, Hereditary. Identifiers: Orphanet 140162, MedGen C0027672, MeSH D009386, MONDO:0015356.
Multiple endocrine neoplasia type 4. Also called: MULTIPLE ENDOCRINE NEOPLASIA, TYPE IV. Identifiers: Orphanet 276152, MedGen C1970712, MONDO:0012552, OMIM 610755.

Allele frequency attached by ClinVar (database versions not stated): gnomAD exomes below 0.00001; ExAC 0.00001; gnomAD 0.00001.
gnomAD v4.1: 6 of 1,602,490 alleles (0.00037%); highest among the groups gnomAD compares: Admixed American, 0.0017%; no homozygotes.

Submissions (3):

Ambry Genetics
Classification: Uncertain significance for Hereditary cancer-predisposing syndrome. Last evaluated: 2026-02-24. Review status: criteria provided, single submitter. Criteria: Ambry Variant Classification Scheme 2023. Collection method: clinical testing. Allele origin: germline.
Comment: The c.463C>T (p.P155S) alteration is located in exon 1 (coding exon 1) of the CDKN1B gene. This alteration results from a C to T substitution at nucleotide position 463, causing the proline (P) at amino acid position 155 to be replaced by a serine (S). Based on data from gnomAD, the T allele has an overall frequency of <0.001% (1/239312) total alleles studied. The highest observed frequency was 0.003% (1/30556) of South Asian alleles. Based on insufficient or conflicting evidence, the clinical significance of this alteration remains unclear.

Labcorp Genetics (formerly Invitae), Labcorp
Classification: Uncertain significance for Multiple endocrine neoplasia type 4. Last evaluated: 2025-11-10. Review status: criteria provided, single submitter. Criteria: Invitae Variant Classification Sherloc (09022015). Collection method: clinical testing. Allele origin: germline.
Comment: This sequence change replaces proline, which is neutral and non-polar, with serine, which is neutral and polar, at codon 155 of the CDKN1B protein (p.Pro155Ser). The frequency data for this variant in the population databases is considered unreliable, as metrics indicate poor data quality at this position in the gnomAD database. This variant has not been reported in the literature in individuals affected with CDKN1B-related conditions. ClinVar contains an entry for this variant (Variation ID: 956060). An algorithm developed to predict the effect of missense changes on protein structure and function (PolyPhen-2) suggests that this variant is likely to be disruptive. In summary, the available evidence is currently insufficient to determine the role of this variant in disease. Therefore, it has been classified as a Variant of Uncertain Significance.

Baylor Genetics
Classification: Uncertain significance for Multiple endocrine neoplasia type 4. Last evaluated: 2023-08-29. Review status: criteria provided, single submitter. Criteria: ACMG Guidelines, 2015. Collection method: clinical testing. Allele origin: unknown.

NM_004064.5(CDKN1B):c.463C>T (p.Pro155Ser)

Gene: CDKN1B (cyclin dependent kinase inhibitor 1B; plus strand). Cytogenetic location: 12p13.1.
Variant type: single nucleotide variant.
Coding change: c.463C>T on transcript NM_004064.5 (MANE Select); coding-DNA position 463, C replaced by T.
Protein change: p.Pro155Ser; replaces proline 155 with serine.
Molecular consequence: missense variant.
Genome position (GRCh38, 1-based): chr12:12,718,302, C>T. VCF-style: chr12-12718302-C-T. GRCh37 (hg19) VCF-style: chr12-12871236-C-T.
Other names: short protein forms P155S.
Identifiers: ClinVar variation 956060 (VCV000956060.14), dbSNP rs753502498, ClinGen allele CA6457503.